The following is an entry in ClinVar:

NM_000629.3(IFNAR1):c.1372A>G (p.Lys458Glu)

Gene: IFNAR1 (interferon alpha and beta receptor subunit 1; plus strand). Cytogenetic location: 21q22.11.
Variant type: single nucleotide variant.
Coding change: c.1372A>G on transcript NM_000629.3 (MANE Select); coding-DNA position 1372, A replaced by G.
Protein change: p.Lys458Glu; replaces lysine 458 with glutamic acid.
Molecular consequence: missense variant. On other transcripts: intron variant (1).
Genome position (GRCh38, 1-based): chr21:33,353,715, A>G. VCF-style: chr21-33353715-A-G. GRCh37 (hg19) VCF-style: chr21-34726021-A-G.
Other names: c.1372A>G, p.Lys458Glu (NM_001384498.1, NM_001384503.1); c.610A>G, p.Lys204Glu (NM_001384500.1); c.1357A>G, p.Lys453Glu (NM_001384501.1); c.910A>G, p.Lys304Glu (NM_001384502.1); c.1165A>G, p.Lys389Glu (NM_001384504.1); c.1294+807A>G (NM_001384499.1); short protein forms K204E, K389E, K453E, K304E, K458E.
Identifiers: ClinVar variation 1975591 (VCV001975591.5), dbSNP rs74695849, ClinGen allele CA320148467.

ClinVar aggregate classification (germline): Uncertain significance (1 of 4 stars; one submission).

Allele frequency attached by ClinVar (database versions not stated): gnomAD exomes below 0.00001.
gnomAD v4.1: 6 of 1,593,590 alleles (0.00038%); highest among the groups gnomAD compares: Admixed American, 0.0018%; no homozygotes.

Submission:

Labcorp Genetics (formerly Invitae), Labcorp
Classification: Uncertain significance. Last evaluated: 2023-08-10. Review status: criteria provided, single submitter. Criteria: Invitae Variant Classification Sherloc (09022015). Collection method: clinical testing. Allele origin: germline.
Comment: In summary, the available evidence is currently insufficient to determine the role of this variant in disease. Therefore, it has been classified as a Variant of Uncertain Significance. An algorithm developed to predict the effect of missense changes on protein structure and function (PolyPhen-2) suggests that this variant is likely to be disruptive. ClinVar contains an entry for this variant (Variation ID: 1975591). This variant has not been reported in the literature in individuals affected with IFNAR1-related conditions. The frequency data for this variant in the population databases is considered unreliable, as metrics indicate poor data quality at this position in the gnomAD database. This sequence change replaces lysine, which is basic and polar, with glutamic acid, which is acidic and polar, at codon 458 of the IFNAR1 protein (p.Lys458Glu).